The following is an entry in ClinVar:

NM_006904.7(PRKDC):c.4318G>A (p.Asp1440Asn)

Gene: PRKDC (protein kinase, DNA-activated, catalytic subunit; minus strand). Cytogenetic location: 8q11.21.
Variant type: single nucleotide variant.
Coding change: c.4318G>A on transcript NM_006904.7 (MANE Select); coding-DNA position 4318, G replaced by A.
Protein change: p.Asp1440Asn; replaces aspartic acid 1440 with asparagine.
Molecular consequence: missense variant.
Genome position (GRCh38, 1-based): chr8:47,888,613, C>T on the plus strand (G>A on the coding strand, the complement: PRKDC is on the minus strand). VCF-style: chr8-47888613-C-T. GRCh37 (hg19) VCF-style: chr8-48801174-C-T.
Other names: c.4318G>A, p.Asp1440Asn (NM_001081640.2); short protein forms D1440N.
Identifiers: ClinVar variation 4848484 (VCV004848484.1).

ClinVar aggregate classification (germline): Likely benign (1 of 4 stars; one submission).

Submission:

Women's Health and Genetics/Laboratory Corporation of America, LabCorp
Classification: Likely benign. Last evaluated: 2026-04-16. Review status: criteria provided, single submitter. Criteria: LabCorp Variant Classification Summary - May 2015. Collection method: clinical testing. Allele origin: germline.
Comment: Variant summary: PRKDC c.4318G>A (p.Ala1440Thr) results in a non-conservative amino acid change in the encoded protein sequence. Algorithms developed to predict the effect of missense changes on protein structure and function are either unavailable or do not agree on the potential impact of this missense change. The variant allele was found at a frequency of 0.001 in 220056 control chromosomes, predominantly at a frequency of 0.013 within the African or African-American subpopulation in the gnomAD database, including 1 homozygotes. The observed variant frequency within African or African-American control individuals in the gnomAD database exceeds the estimated maximal expected allele frequency for disease-causing variants in PRKDC. To our knowledge, no occurrence of c.4318G>A in individuals affected with PRKDC-related conditions and no experimental evidence demonstrating its impact on protein function have been reported. ClinVar contains an entry for this variant (Variation ID: 712334). Based on the evidence outlined above, the variant was classified as likely benign.